The following is an entry in ClinVar:

NM_003070.5(SMARCA2):c.709C>A (p.Gln237Lys)

Gene: SMARCA2 (SWI/SNF related BAF chromatin remodeling complex subunit ATPase 2; plus strand). Cytogenetic location: 9p24.3.
Variant type: single nucleotide variant.
Coding change: c.709C>A on transcript NM_003070.5 (MANE Select); coding-DNA position 709, C replaced by A.
Protein change: p.Gln237Lys; replaces glutamine 237 with lysine.
Molecular consequence: missense variant.
Genome position (GRCh38, 1-based): chr9:2,039,819, C>A. VCF-style: chr9-2039819-C-A. GRCh37 (hg19) VCF-style: chr9-2039819-C-A.
Other names: c.709C>A, p.Gln237Lys (NM_001289396.2, NM_001289397.2, NM_139045.4); short protein forms Q237K.
Identifiers: ClinVar variation 3373245 (VCV003373245.1).
Genomic context (GRCh38, chr9:2,039,819, plus strand): 5'-CAACAACAGCAGCAGCAACAGCAGCAGCAGCAGCAGCAGCAGCAGCAGCAGCAGCAGCAA[C>A]AGCAGCCGCAGCAGCAGCCGCCGCAACCACAGACGCAGCAACAACAGCAGCCGGCCCTTG-3'
Protein context (NP_003061.3, residues 227-247): QQQQQQQQQQ[Gln237Lys]QPQQQPPQPQ

ClinVar aggregate classification (germline): Uncertain significance (1 of 4 stars; one submission).

Submission:

GeneDx
Classification: Uncertain significance. Last evaluated: 2024-05-01. Review status: criteria provided, single submitter. Criteria: GeneDx Variant Classification Process June 2021. Collection method: clinical testing. Allele origin: germline. Affected: yes.
Comment: Not observed at significant frequency in large population cohorts (gnomAD); In silico analysis indicates that this missense variant does not alter protein structure/function; Has not been previously published as pathogenic or benign to our knowledge